The following is an entry in ClinVar:

NM_020778.4(ALPK3):c.499C>T (p.Gln167Ter)

Gene: ALPK3 (alpha kinase 3; plus strand). Cytogenetic location: 15q25.3.
Variant type: single nucleotide variant.
Coding change: c.499C>T on transcript NM_020778.4; coding-DNA position 499, C replaced by T.
Protein change: p.Gln167Ter; replaces glutamine 167 with a stop codon.
Genome position (GRCh38, 1-based): chr15:84,817,345, C>T. VCF-style: chr15-84817345-C-T. GRCh37 (hg19) VCF-style: chr15-85360576-C-T.
Other names: short protein forms Q167*.
Identifiers: ClinVar variation 2625904 (VCV002625904.2), dbSNP rs2505688860, ClinGen allele CA393369039.

ClinVar aggregate classification (germline): Uncertain significance (1 of 4 stars; one submission).

Conditions:
Cardiovascular phenotype. Identifiers: MedGen CN230736.

Submission:

Ambry Genetics
Classification: Uncertain significance for Cardiovascular phenotype. Last evaluated: 2023-06-29. Review status: criteria provided, single submitter. Criteria: Ambry Variant Classification Scheme 2023. Collection method: clinical testing. Allele origin: germline.
Comment: The p.Q167* variant (also known as c.499C>T), located in coding exon 1 of the ALPK3 gene, results from a C to T substitution at nucleotide position 499. This alteration is expected to result in loss of function by premature protein truncation or nonsense-mediated mRNA decay. However, based on data from gnomAD, several loss of function alterations in the first exon of ALPK3 (p.C64* and p.E148Qfs*8) are too frequent to cause disease given the incidence of pediatric cardiomyopathy. The abundance of nonsense and frameshift alleles in the first exon in population databases brings into question the pathogenicity of loss of function alterations in N-terminus of ALPK3 and suggests the possibility of an alternative start site. Since supporting evidence is limited at this time, the clinical significance of this alteration remains unclear.